The following is an entry in ClinVar:

NM_000059.4(BRCA2):c.6941C>A (p.Thr2314Lys)

Gene: BRCA2 (BRCA2 DNA repair associated; plus strand). Cytogenetic location: 13q13.1.
Variant type: single nucleotide variant.
Coding change: c.6941C>A on transcript NM_000059.4 (MANE Select); coding-DNA position 6941, C replaced by A.
Protein change: p.Thr2314Lys; replaces threonine 2314 with lysine.
Molecular consequence: missense variant.
Genome position (GRCh38, 1-based): chr13:32,346,830, C>A. VCF-style: chr13-32346830-C-A. GRCh37 (hg19) VCF-style: chr13-32920967-C-A.
Other names: short protein forms T2314K.
Identifiers: ClinVar variation 495492 (VCV000495492.14), dbSNP rs1177474377, ClinGen allele CA6941029.
Genomic context (GRCh38, chr13:32,346,830, plus strand): 5'-ACATGGATATTCTCTTAGATTTTAACTAATATGTAATATAAAATAATTGTTTCCTAGGCA[C>A]AATAAAAGATCGAAGATTGTTTATGCATCATGTTTCTTTAGAGCCGATTACCTGTGTACC-3'
Protein context (NP_000050.3, residues 2304-2324): LKASKSTPDG[Thr2314Lys]IKDRRLFMHH

ClinVar aggregate classification (germline): Uncertain significance. Review status: criteria provided, multiple submitters, no conflicts (2 of 4 stars). 4 submissions from 4 submitters: Uncertain significance (4). Last evaluated 2022-08-14.

Conditions:
Hereditary cancer-predisposing syndrome. Also called: Hereditary neoplastic syndrome; Tumor predisposition; Hereditary Cancer Syndrome; Neoplastic Syndromes, Hereditary. Identifiers: Orphanet 140162, MedGen C0027672, MeSH D009386, MONDO:0015356.
Hereditary breast ovarian cancer syndrome. Also called: Hereditary breast and/or ovarian cancer syndrome; BRCA1- and BRCA2-Associated Hereditary Breast and Ovarian Cancer; Breast and ovarian cancer; Hereditary breast and ovarian cancer; Hereditary breast and ovarian cancer syndrome; Hereditary breast and ovarian cancer syndrome (HBOC). Identifiers: Orphanet 145, MedGen C0677776, MeSH D061325, MONDO:0003582. Disease mechanism: loss of function.
BRCA2-related disorder. Also called: BRCA2-related condition; BRCA2-related disorders. Identifiers: MedGen CN239275.

Allele frequency attached by ClinVar (database versions not stated): gnomAD exomes below 0.00001; ExAC 0.00001.
gnomAD v4.1: 1 of 1,605,434 alleles (0.000062%); highest among the groups gnomAD compares: Non-Finnish European, 0.000085%; no homozygotes.

Submissions (4):

Ambry Genetics
Classification: Uncertain significance for Hereditary cancer-predisposing syndrome. Last evaluated: 2022-08-14. Review status: criteria provided, single submitter. Criteria: Ambry Variant Classification Scheme 2023. Collection method: clinical testing. Allele origin: germline.
Comment: The p.T2314K variant (also known as c.6941C>A), located in coding exon 12 of the BRCA2 gene, results from a C to A substitution at nucleotide position 6941. The threonine at codon 2314 is replaced by lysine, an amino acid with similar properties. This amino acid position is conserved. In addition, the in silico prediction for this alteration is inconclusive. Since supporting evidence is limited at this time, the clinical significance of this alteration remains unclear.

GeneDx
Classification: Uncertain significance. Last evaluated: 2022-05-27. Review status: criteria provided, single submitter. Criteria: GeneDx Variant Classification Process June 2021. Collection method: clinical testing. Allele origin: germline. Affected: yes.
Comment: Not observed at significant frequency in large population cohorts (gnomAD); In silico analysis supports that this missense variant does not alter protein structure/function; Has not been previously published as pathogenic or benign to our knowledge; Also known as 7169C>A

Labcorp Genetics (formerly Invitae), Labcorp
Classification: Uncertain significance for Hereditary breast ovarian cancer syndrome. Last evaluated: 2022-02-24. Review status: criteria provided, single submitter. Criteria: Invitae Variant Classification Sherloc (09022015). Collection method: clinical testing. Allele origin: germline.
Comment: ClinVar contains an entry for this variant (Variation ID: 495492). This variant has not been reported in the literature in individuals affected with BRCA2-related conditions. This variant is present in population databases (no rsID available, gnomAD 0.0009%). This sequence change replaces threonine, which is neutral and polar, with lysine, which is basic and polar, at codon 2314 of the BRCA2 protein (p.Thr2314Lys). Advanced modeling of protein sequence and biophysical properties (such as structural, functional, and spatial information, amino acid conservation, physicochemical variation, residue mobility, and thermodynamic stability) performed at Invitae indicates that this missense variant is not expected to disrupt BRCA2 protein function. In summary, the available evidence is currently insufficient to determine the role of this variant in disease. Therefore, it has been classified as a Variant of Uncertain Significance.

Women's Health and Genetics/Laboratory Corporation of America, LabCorp
Classification: Uncertain significance. Last evaluated: 2016-03-21. Review status: criteria provided, single submitter. Criteria: LabCorp Variant Classification Summary - May 2015. Collection method: clinical testing. Allele origin: germline.
Comment: Variant summary: c.6941C>A affects a non-conserved nucleotide, resulting in amino acid change from Thr to Lys. 5/5 in-silico tools predict this variant to be damaging. This variant was found in 1/115324 control chromosomes at a frequency of 0.0000087, which does not exceed the maximal expected frequency of a pathogenic allele (0.0007503). The variant of interest has not been reported in affected individuals via publications and/or reputable databases/clinical laboratories nor was evaluated for functional impact by in vivo/vitro studies. Due to the absence of clinical information and lack of functional studies, the variant was classified as a variant of uncertain significance (VUS) until additional information becomes available.